The following is an entry in ClinVar:

ClinVar aggregate classification (germline): Uncertain significance (1 of 4 stars; one submission).

gnomAD v4.1: 7 of 1,534,882 alleles (0.00046%); highest among the groups gnomAD compares: Admixed American, 0.002%; no homozygotes.

Submission:

Labcorp Genetics (formerly Invitae), Labcorp
Classification: Uncertain significance. Last evaluated: 2024-10-24. Review status: criteria provided, single submitter. Criteria: Invitae Variant Classification Sherloc (09022015). Collection method: clinical testing. Allele origin: germline.
Comment: This sequence change replaces methionine, which is neutral and non-polar, with leucine, which is neutral and non-polar, at codon 988 of the CACNA1E protein (p.Met988Leu). This variant is present in population databases (no rsID available, gnomAD no frequency). This variant has not been reported in the literature in individuals affected with CACNA1E-related conditions. Invitae Evidence Modeling of protein sequence and biophysical properties (such as structural, functional, and spatial information, amino acid conservation, physicochemical variation, residue mobility, and thermodynamic stability) has been performed for this missense variant. However, the output from this modeling did not meet the statistical confidence thresholds required to predict the impact of this variant on CACNA1E protein function. In summary, the available evidence is currently insufficient to determine the role of this variant in disease. Therefore, it has been classified as a Variant of Uncertain Significance.

NM_001205293.3(CACNA1E):c.2962A>C (p.Met988Leu)

Gene: CACNA1E (calcium voltage-gated channel subunit alpha1 E; plus strand). Cytogenetic location: 1q25.3.
Variant type: single nucleotide variant.
Coding change: c.2962A>C on transcript NM_001205293.3 (MANE Select); coding-DNA position 2962, A replaced by C.
Protein change: p.Met988Leu; replaces methionine 988 with leucine.
Molecular consequence: missense variant.
Genome position (GRCh38, 1-based): chr1:181,733,450, A>C. VCF-style: chr1-181733450-A-C. GRCh37 (hg19) VCF-style: chr1-181702586-A-C.
Other names: c.2962A>C, p.Met988Leu (NM_000721.4); c.2905A>C, p.Met969Leu (NM_001205294.2); short protein forms M969L, M988L.
Identifiers: ClinVar variation 3629381 (VCV003629381.2).
Genomic context (GRCh38, chr1:181,733,450, plus strand): 5'-TGGGGACAGCGTCTGAGCACCAGCTCTCTCTTCCTCTCTCTTCACAGGACCAACAGTCTG[A>C]TGGTGTCCAGAGGCTCCGGGCTGGCAGGAGGCCTTGATGAGGCTGACACCCCCCTAGTCC-3'
Protein context (NP_001192222.1, residues 978-998): AQDLRRTNSL[Met988Leu]VSRGSGLAGG